The following is an entry in ClinVar:

ClinVar aggregate classification (germline): Uncertain significance (1 of 4 stars; one submission).

Conditions:
Microcephaly-intellectual disability-sensorineural hearing loss-epilepsy-abnormal muscle tone syndrome (NEDHSB). Also called: NEURODEVELOPMENTAL DISORDER WITH HEARING LOSS, SEIZURES, AND BRAIN ABNORMALITIES. Identifiers: Orphanet 457351, MedGen C4225276, MONDO:0014698, OMIM 616577.

Submission:

Labcorp Genetics (formerly Invitae), Labcorp
Classification: Uncertain significance for Microcephaly-intellectual disability-sensorineural hearing loss-epilepsy-abnormal muscle tone syndrome. Last evaluated: 2020-10-27. Review status: criteria provided, single submitter. Criteria: Invitae Variant Classification Sherloc (09022015). Collection method: clinical testing. Allele origin: germline.
Comment: This variant has not been reported in the literature in individuals with SPATA5-related conditions. Algorithms developed to predict the effect of missense changes on protein structure and function (SIFT, PolyPhen-2, Align-GVGD) all suggest that this variant is likely to be disruptive, but these predictions have not been confirmed by published functional studies and their clinical significance is uncertain. This variant is not present in population databases (ExAC no frequency). This sequence change replaces valine with phenylalanine at codon 411 of the SPATA5 protein (p.Val411Phe). The valine residue is highly conserved and there is a small physicochemical difference between valine and phenylalanine. In summary, the available evidence is currently insufficient to determine the role of this variant in disease. Therefore, it has been classified as a Variant of Uncertain Significance.

NM_145207.3(AFG2A):c.1231G>T (p.Val411Phe)

Gene: AFG2A (AAA ATPase AFG2A; plus strand). Cytogenetic location: 4q28.1.
Variant type: single nucleotide variant.
Coding change: c.1231G>T on transcript NM_145207.3 (MANE Select); coding-DNA position 1231, G replaced by T.
Protein change: p.Val411Phe; replaces valine 411 with phenylalanine.
Molecular consequence: missense variant.
Genome position (GRCh38, 1-based): chr4:122,935,797, G>T. VCF-style: chr4-122935797-G-T. GRCh37 (hg19) VCF-style: chr4-123856952-G-T.
Other names: c.1228G>T, p.Val410Phe (NM_001317799.2, NM_001345856.2); short protein forms V410F, V411F.
Identifiers: ClinVar variation 1045879 (VCV001045879.4), dbSNP rs1729046327, ClinGen allele CA358104041.
Genomic context (GRCh38, chr4:122,935,797, plus strand): 5'-TTACTTTATGGTCCTCCAGGTACTGGAAAAACAATGATCGCCAGGGCTGTTGCTAATGAA[G>T]TTGGAGCCTATGTTTCTGTAATTAATGGTCCTGAAATTATAAGCAAGTAAGTACATGATT-3'
Protein context (NP_660208.2, residues 401-421): TMIARAVANE[Val411Phe]GAYVSVINGP